The following is an entry in ClinVar:

ClinVar aggregate classification (germline): Likely benign (1 of 4 stars; one submission).

Conditions:
Hereditary factor VIII deficiency disease (HEMA). Also called: AUTOSOMAL HEMOPHILIA A; Hemophilia A; HEMOPHILIA, CLASSIC; Hemophilia A, congenital; HEM A; Factor 8 deficiency, congenital. Identifiers: Orphanet 98878, MedGen C0019069, MONDO:0010602, OMIM 306700.

Allele frequency attached by ClinVar (database versions not stated): gnomAD exomes below 0.00001.
gnomAD v4.1: 2 of 1,206,839 alleles (0.00017%); highest among the groups gnomAD compares: Non-Finnish European, 0.00022%; no homozygotes.

Submission:

NIHR Bioresource Rare Diseases, University of Cambridge
Classification: Likely benign for Hereditary factor VIII deficiency disease. Last evaluated: 2020-01-01. Review status: criteria provided, single submitter. Criteria: ACMG Guidelines, 2015. Collection method: clinical testing. Allele origin: maternal. Inheritance: X-linked recessive inheritance. Affected: no. Observed: 1 hemizygote.

NM_000132.4(F8):c.5993A>T (p.Tyr1998Phe)

Gene: F8 (coagulation factor VIII; minus strand). Cytogenetic location: Xq28.
Variant type: single nucleotide variant.
Coding change: c.5993A>T on transcript NM_000132.4 (MANE Select); coding-DNA position 5993, A replaced by T.
Protein change: p.Tyr1998Phe; replaces tyrosine 1998 with phenylalanine.
Molecular consequence: missense variant.
Genome position (GRCh38, 1-based): chrX:154,903,911, T>A on the plus strand (A>T on the coding strand, the complement: F8 is on the minus strand). VCF-style: chrX-154903911-T-A. GRCh37 (hg19) VCF-style: chrX-154132186-T-A.
Other names: short protein forms Y1998F.
Identifiers: ClinVar variation 872911 (VCV000872911.2), dbSNP rs2073022685, ClinGen allele CA414905427.